The following is an entry in ClinVar:

ClinVar aggregate classification (germline): Conflicting classifications of pathogenicity. Review status: criteria provided, conflicting classifications (1 of 4 stars). 3 submissions from 3 submitters: Uncertain significance (1); Benign (1); Likely benign (1). Last evaluated 2025-08-28.

Conditions:
Hereditary diffuse gastric adenocarcinoma (HDGC). Also called: DIFFUSE GASTRIC AND LOBULAR BREAST CANCER SYNDROME. Identifiers: Orphanet 26106, MedGen C1708349, MONDO:0007648, OMIM 137215.
Hereditary cancer-predisposing syndrome. Also called: Tumor predisposition; Neoplastic Syndromes, Hereditary; Hereditary Cancer Syndrome; Hereditary neoplastic syndrome. Identifiers: Orphanet 140162, MedGen C0027672, MeSH D009386, MONDO:0015356.

Submissions (3):

Labcorp Genetics (formerly Invitae), Labcorp
Classification: Uncertain significance for Hereditary diffuse gastric adenocarcinoma. Last evaluated: 2025-08-28. Review status: criteria provided, single submitter. Criteria: Invitae Variant Classification Sherloc (09022015). Collection method: clinical testing. Allele origin: germline.
Comment: This sequence change affects codon 683 of the CDH1 mRNA. It is a 'silent' change, meaning that it does not change the encoded amino acid sequence of the CDH1 protein. This variant is not present in population databases (gnomAD no frequency). This variant has not been reported in the literature in individuals affected with CDH1-related conditions. ClinVar contains an entry for this variant (Variation ID: 1785017). Algorithms developed to predict the effect of sequence changes on RNA splicing suggest that this variant may disrupt the consensus splice site. In summary, the available evidence is currently insufficient to determine the role of this variant in disease. Therefore, it has been classified as a Variant of Uncertain Significance.

Myriad Genetics, Inc.
Classification: Benign for Hereditary diffuse gastric adenocarcinoma. Last evaluated: 2024-09-20. Review status: criteria provided, single submitter. Criteria: Myriad Autosomal Dominant, Autosomal Recessive and X-Linked Classification Criteria (2023). Collection method: clinical testing. Allele origin: unknown.
Comment: This variant is considered benign. This variant is a silent/synonymous amino acid change and it is not expected to impact splicing.

Ambry Genetics
Classification: Likely benign for Hereditary cancer-predisposing syndrome. Last evaluated: 2021-10-07. Review status: criteria provided, single submitter. Criteria: Ambry Variant Classification Scheme 2023. Collection method: clinical testing. Allele origin: germline.

NM_004360.5(CDH1):c.2049C>T (p.Val683=)

Gene: CDH1 (cadherin 1; plus strand). Cytogenetic location: 16q22.1.
Variant type: single nucleotide variant.
Coding change: c.2049C>T on transcript NM_004360.5 (MANE Select); coding-DNA position 2049, C replaced by T.
Protein change: p.Val683=; no amino-acid change (valine 683 retained).
Molecular consequence: synonymous variant.
Genome position (GRCh38, 1-based): chr16:68,823,511, C>T. VCF-style: chr16-68823511-C-T. GRCh37 (hg19) VCF-style: chr16-68857414-C-T.
Other names: c.1866C>T, p.Val622= (NM_001317184.2); c.501C>T, p.Val167= (NM_001317185.2); c.84C>T, p.Val28= (NM_001317186.2).
Identifiers: ClinVar variation 1785017 (VCV001785017.4), dbSNP rs2152139440, ClinGen allele CA496393182.
Genomic context (GRCh38, chr16:68,823,511, plus strand): 5'-CAAAATCAATCTCAAGCTCATGGATAACCAGAATAAAGACCAAGTGACCACCTTAGAGGT[C>T]AGCGTGTGTGACTGTGAAGGGGCCGCTGGCGTCTGTAGGAAGGCACAGCCTGTCGAAGCA-3'
Protein context (NP_004351.1, residues 673-693): QNKDQVTTLE[Val683=]SVCDCEGAAG